The following is an entry in ClinVar:

NM_000059.4(BRCA2):c.5806_5807del (p.Met1936fs)

Gene: BRCA2 (BRCA2 DNA repair associated; plus strand). Cytogenetic location: 13q13.1.
Variant type: Microsatellite.
Coding change: c.5806_5807del on transcript NM_000059.4 (MANE Select); coding-DNA positions 5806 to 5807, 2 bases deleted (AT; older notation c.5806_5807delAT).
Protein change: p.Met1936fs; shifts the reading frame from methionine 1936.
Molecular consequence: frameshift variant.
Genome position (GRCh38, 1-based): chr13:32,340,161-32,340,162, AT deleted; deleting any 2 consecutive bases within chr13:32,340,159-32,340,162 gives the same sequence; the c. name uses the placement nearest the transcript's 3' end. VCF-style (leftmost placement, unchanged base first): chr13-32340158-AAT-A. GRCh37 (hg19) VCF-style: chr13-32914295-AAT-A.
Other names: short protein forms M1936fs.
Identifiers: ClinVar variation 2137479 (VCV002137479.5), dbSNP rs2548531791, ClinGen allele CA2575387727.

ClinVar aggregate classification (germline): Pathogenic. Review status: criteria provided, multiple submitters, no conflicts (2 of 4 stars). 2 submissions from 2 submitters: Pathogenic (2). Last evaluated 2022-04-11.

Conditions:
Hereditary breast ovarian cancer syndrome. Also called: Hereditary breast and ovarian cancer syndrome; Hereditary breast and/or ovarian cancer syndrome; BRCA1- and BRCA2-Associated Hereditary Breast and Ovarian Cancer; Breast and ovarian cancer; Hereditary breast and ovarian cancer; Hereditary breast and ovarian cancer syndrome (HBOC). Identifiers: Orphanet 145, MedGen C0677776, MeSH D061325, MONDO:0003582. Disease mechanism: loss of function.
Breast-ovarian cancer, familial, susceptibility to, 2 (BROVCA2). Also called: BRCA2 Hereditary Breast and Ovarian Cancer. Identifiers: Orphanet 145, MedGen C2675520, MONDO:0012933, OMIM 612555. Disease mechanism: loss of function.

Submissions (2):

Labcorp Genetics (formerly Invitae), Labcorp
Classification: Pathogenic for Hereditary breast ovarian cancer syndrome. Last evaluated: 2022-04-11. Review status: criteria provided, single submitter. Criteria: Invitae Variant Classification Sherloc (09022015). Collection method: clinical testing. Allele origin: germline.
Comment: For these reasons, this variant has been classified as Pathogenic. This premature translational stop signal has been observed in individual(s) with breast cancer (PMID: 25452441). This variant is not present in population databases (gnomAD no frequency). This sequence change creates a premature translational stop signal (p.Met1936Valfs*8) in the BRCA2 gene. It is expected to result in an absent or disrupted protein product. Loss-of-function variants in BRCA2 are known to be pathogenic (PMID: 20104584).

Genesis Genomics
Classification: Pathogenic for Breast-ovarian cancer, familial, susceptibility to, 2. Review status: criteria provided, single submitter. Criteria: ACMG Guidelines, 2015. Collection method: clinical testing. Allele origin: germline. Affected: yes. Observed: 1 variant allele.

Literature cited by the submitters: PubMed 25452441 (cited by Labcorp Genetics (formerly Invitae), Labcorp); PubMed 20104584 (cited by Labcorp Genetics (formerly Invitae), Labcorp).